The following is an entry in ClinVar:

NM_004738.5(VAPB):c.183C>T (p.Ile61=)

Gene: VAPB (VAMP associated protein B and C; plus strand). Cytogenetic location: 20q13.32.
Variant type: single nucleotide variant.
Coding change: c.183C>T on transcript NM_004738.5 (MANE Select); coding-DNA position 183, C replaced by T.
Protein change: p.Ile61=; no amino-acid change (isoleucine 61 retained).
Molecular consequence: synonymous variant. On other transcripts: non-coding transcript variant (1).
Genome position (GRCh38, 1-based): chr20:58,418,335, C>T. VCF-style: chr20-58418335-C-T. GRCh37 (hg19) VCF-style: chr20-56993391-C-T.
Other names: p.Ile61=; c.183C>T, p.Ile61= (NM_001195677.2).
Identifiers: ClinVar variation 4684424 (VCV004684424.1).

ClinVar aggregate classification (germline): Likely benign (1 of 4 stars; one submission).

gnomAD v4.1: 16 of 1,614,054 alleles (0.00099%); highest among the groups gnomAD compares: South Asian, 0.0022%; no homozygotes.

Submission:

Mayo Clinic Laboratories, Mayo Clinic
Classification: Likely benign. Last evaluated: 2025-02-04. Review status: criteria provided, single submitter. Criteria: ACMG Guidelines, 2015. Collection method: clinical testing. Allele origin: germline. Observed: 1 variant allele.
Comment: BP4, BP7